The following is an entry in ClinVar:

ClinVar aggregate classification (germline): Uncertain significance (1 of 4 stars; one submission).

Conditions:
Dilated cardiomyopathy 1JJ (CMD1JJ). Identifiers: Orphanet 154, MedGen C3808935, MONDO:0014095, OMIM 615235.

Submission:

Labcorp Genetics (formerly Invitae), Labcorp
Classification: Uncertain significance for Dilated cardiomyopathy 1JJ. Last evaluated: 2021-02-22. Review status: criteria provided, single submitter. Criteria: Invitae Variant Classification Sherloc (09022015). Collection method: clinical testing. Allele origin: germline.
Comment: In summary, the available evidence is currently insufficient to determine the role of this variant in disease. Therefore, it has been classified as a Variant of Uncertain Significance. Algorithms developed to predict the effect of sequence changes on RNA splicing suggest that this variant may create or strengthen a splice site, but this prediction has not been confirmed by published transcriptional studies. Algorithms developed to predict the effect of missense changes on protein structure and function (SIFT, PolyPhen-2, Align-GVGD) all suggest that this variant is likely to be disruptive, but these predictions have not been confirmed by published functional studies and their clinical significance is uncertain. This variant is not present in population databases (ExAC no frequency). This sequence change replaces threonine with serine at codon 1066 of the LAMA4 protein (p.Thr1066Ser). The threonine residue is highly conserved and there is a small physicochemical difference between threonine and serine. This variant has not been reported in the literature in individuals with LAMA4-related conditions.

NM_001105206.3(LAMA4):c.3218C>G (p.Thr1073Ser)

Gene: LAMA4 (laminin subunit alpha 4; minus strand). Cytogenetic location: 6q21.
Variant type: single nucleotide variant.
Coding change: c.3218C>G on transcript NM_001105206.3 (MANE Select); coding-DNA position 3218, C replaced by G.
Protein change: p.Thr1073Ser; replaces threonine 1073 with serine.
Molecular consequence: missense variant.
Genome position (GRCh38, 1-based): chr6:112,139,184, G>C on the plus strand (C>G on the coding strand, the complement: LAMA4 is on the minus strand). VCF-style: chr6-112139184-G-C. GRCh37 (hg19) VCF-style: chr6-112460386-G-C.
Other names: c.3197C>G, p.Thr1066Ser (NM_001105207.3, NM_002290.5); short protein forms T1066S, T1073S.
Identifiers: ClinVar variation 1512727 (VCV001512727.8), dbSNP rs1477325697, ClinGen allele CA365378937.
Genomic context (GRCh38, chr6:112,139,184, plus strand): 5'-TTGACCATCAGGAGAATAAGGCCGTTGTCAGCTGGTGTTCGAACTTCTATGTCAAAGCGA[G>C]TCACCTGACCAAATTTCCCTCTCCTTGTGATGTCTCTCACCACGGCATAACCGGAGCCAT-3'
Protein context (NP_001098676.2, residues 1063-1083): ITRRGKFGQV[Thr1073Ser]RFDIEVRTPA